The following is an entry in ClinVar:

NM_020433.5(JPH2):c.1454C>T (p.Pro485Leu)

Gene: JPH2 (junctophilin 2; minus strand). Cytogenetic location: 20q13.12.
Variant type: single nucleotide variant.
Coding change: c.1454C>T on transcript NM_020433.5 (MANE Select); coding-DNA position 1454, C replaced by T.
Protein change: p.Pro485Leu; replaces proline 485 with leucine.
Molecular consequence: missense variant.
Genome position (GRCh38, 1-based): chr20:44,116,221, G>A on the plus strand (C>T on the coding strand, the complement: JPH2 is on the minus strand). VCF-style: chr20-44116221-G-A. GRCh37 (hg19) VCF-style: chr20-42744861-G-A.
Other names: short protein forms P485L.
Identifiers: ClinVar variation 426497 (VCV000426497.3), dbSNP rs1085307656, ClinGen allele CA409100593.

ClinVar aggregate classification (germline): Uncertain significance (1 of 4 stars; one submission).

gnomAD v4.1: 20 of 1,399,508 alleles (0.0014%); highest among the groups gnomAD compares: Non-Finnish European, 0.0017%; no homozygotes.

Submission:

GeneDx
Classification: Uncertain significance. Last evaluated: 2024-05-09. Review status: criteria provided, single submitter. Criteria: GeneDx Variant Classification Process June 2021. Collection method: clinical testing. Allele origin: germline. Affected: yes.
Comment: Has not been previously published as pathogenic or benign to our knowledge; Not observed at significant frequency in large population cohorts (gnomAD); In silico analysis indicates that this missense variant does not alter protein structure/function